The following is an entry in ClinVar:

ClinVar aggregate classification (germline): Uncertain significance. Review status: criteria provided, multiple submitters, no conflicts (2 of 4 stars). 2 submissions from 2 submitters: Uncertain significance (2). Last evaluated 2024-03-25.

Conditions:
Apparent mineralocorticoid excess (AME). Also called: CORTISOL 11-BETA-KETOREDUCTASE DEFICIENCY. Identifiers: Orphanet 320, MedGen C0342488, MONDO:0009025, OMIM 218030.

Allele frequency attached by ClinVar (database versions not stated): gnomAD exomes 0.00001.
gnomAD v4.1: 10 of 1,613,750 alleles (0.00062%); highest among the groups gnomAD compares: African/African-American, 0.0013%; no homozygotes.

Submissions (2):

Genomic Medicine Center of Excellence, King Faisal Specialist Hospital and Research Centre
Classification: Uncertain significance for Apparent mineralocorticoid excess. Last evaluated: 2024-03-25. Review status: criteria provided, single submitter. Criteria: ACMG Guidelines, 2015. Collection method: clinical testing. Allele origin: germline.

Labcorp Genetics (formerly Invitae), Labcorp
Classification: Uncertain significance. Last evaluated: 2024-03-11. Review status: criteria provided, single submitter. Criteria: Invitae Variant Classification Sherloc (09022015). Collection method: clinical testing. Allele origin: germline.
Comment: This sequence change replaces glycine, which is neutral and non-polar, with serine, which is neutral and polar, at codon 341 of the HSD11B2 protein (p.Gly341Ser). This variant is present in population databases (no rsID available, gnomAD 0.0009%). This variant has not been reported in the literature in individuals affected with HSD11B2-related conditions. An algorithm developed to predict the effect of missense changes on protein structure and function (PolyPhen-2) suggests that this variant is likely to be disruptive. In summary, the available evidence is currently insufficient to determine the role of this variant in disease. Therefore, it has been classified as a Variant of Uncertain Significance.

NM_000196.4(HSD11B2):c.1021G>A (p.Gly341Ser)

Gene: HSD11B2 (hydroxysteroid 11-beta dehydrogenase 2; plus strand). Cytogenetic location: 16q22.1.
Variant type: single nucleotide variant.
Coding change: c.1021G>A on transcript NM_000196.4 (MANE Select); coding-DNA position 1021, G replaced by A.
Protein change: p.Gly341Ser; replaces glycine 341 with serine.
Molecular consequence: missense variant.
Genome position (GRCh38, 1-based): chr16:67,436,806, G>A. VCF-style: chr16-67436806-G-A. GRCh37 (hg19) VCF-style: chr16-67470709-G-A.
Other names: short protein forms G341S.
Identifiers: ClinVar variation 2798301 (VCV002798301.4), dbSNP rs1457971757, ClinGen allele CA396283972.